The following is an entry in ClinVar:

ClinVar aggregate classification (germline): Pathogenic (1 of 4 stars; one submission).

Conditions:
Jeune thoracic dystrophy. Also called: Short-rib thoracic dysplasia; Jeune syndrome; Infantile thoracic dystrophy; Thoracic pelvic phalangeal dystrophy; Jeune's syndrome; Chondroectodermal dysplasia-like syndrome. Identifiers: Orphanet 474, MedGen C0265275, MONDO:0018770.

Submission:

Labcorp Genetics (formerly Invitae), Labcorp
Classification: Pathogenic for Jeune thoracic dystrophy. Last evaluated: 2023-03-16. Review status: criteria provided, single submitter. Criteria: Invitae Variant Classification Sherloc (09022015). Collection method: clinical testing. Allele origin: germline.
Comment: For these reasons, this variant has been classified as Pathogenic. This variant has not been reported in the literature in individuals affected with DYNC2H1-related conditions. This variant is present in population databases (rs780243284, gnomAD 0.008%). This sequence change creates a premature translational stop signal (p.Ala3165Hisfs*11) in the DYNC2H1 gene. It is expected to result in an absent or disrupted protein product. Loss-of-function variants in DYNC2H1 are known to be pathogenic (PMID: 23339108, 32753734).

Literature cited by the submitters: PubMed 23339108; PubMed 32753734.

NM_001377.3(DYNC2H1):c.9493del (p.Ala3165fs)

Gene: DYNC2H1 (dynein cytoplasmic 2 heavy chain 1; plus strand). Cytogenetic location: 11q22.3.
Variant type: Deletion.
Coding change: c.9493del on transcript NM_001377.3 (MANE Select); coding-DNA position 9493, one base deleted (G; older notation c.9493delG).
Protein change: p.Ala3165fs; shifts the reading frame from alanine 3165.
Molecular consequence: frameshift variant.
Genome position (GRCh38, 1-based): chr11:103,234,086, G deleted; the last of 2 consecutive G bases (chr11:103,234,085-103,234,086); deleting either gives the same sequence. VCF-style (leftmost placement, unchanged base first): chr11-103234084-AG-A. GRCh37 (hg19) VCF-style: chr11-103104813-AG-A.
Other names: c.9493del, p.Ala3165fs (NM_001080463.2); short protein forms A3165fs.
Identifiers: ClinVar variation 2839839 (VCV002839839.3), dbSNP rs780243284, ClinGen allele CA6254703.